The following is an entry in ClinVar:

NM_002181.4(IHH):c.674C>T (p.Pro225Leu)

Gene: IHH (Indian hedgehog signaling molecule; minus strand). Cytogenetic location: 2q35.
Variant type: single nucleotide variant.
Coding change: c.674C>T on transcript NM_002181.4 (MANE Select); coding-DNA position 674, C replaced by T.
Protein change: p.Pro225Leu; replaces proline 225 with leucine.
Molecular consequence: missense variant.
Genome position (GRCh38, 1-based): chr2:219,055,769, G>A on the plus strand (C>T on the coding strand, the complement: IHH is on the minus strand). VCF-style: chr2-219055769-G-A. GRCh37 (hg19) VCF-style: chr2-219920491-G-A.
Other names: short protein forms P225L.
Identifiers: ClinVar variation 4695693 (VCV004695693.1).
Genomic context (GRCh38, chr2:219,055,769, plus strand): 5'-ATGAGCACATCGCTGAAGGTGGGGCTCCCATCCTCCCCCATGGCCAGCACACGGTCTCCC[G>A]GCCTCACGGCTGACAAGGCCACACGCGCCCCACTCTCCAGGCGTACCTGGGCTCCGGCAG-3'
Protein context (NP_002172.2, residues 215-235): GARVALSAVR[Pro225Leu]GDRVLAMGED

ClinVar aggregate classification (germline): Uncertain significance (1 of 4 stars; one submission).

gnomAD v4.1: 29 of 1,613,564 alleles (0.0018%); highest among the groups gnomAD compares: South Asian, 0.0099%; 1 homozygote.

Submission:

Labcorp Genetics (formerly Invitae), Labcorp
Classification: Uncertain significance. Last evaluated: 2025-10-26. Review status: criteria provided, single submitter. Criteria: Invitae Variant Classification Sherloc (09022015). Collection method: clinical testing. Allele origin: germline.
Comment: This sequence change replaces proline, which is neutral and non-polar, with leucine, which is neutral and non-polar, at codon 225 of the IHH protein (p.Pro225Leu). This variant is present in population databases (rs572724795, gnomAD 0.006%). This variant has not been reported in the literature in individuals affected with IHH-related conditions. Invitae Evidence Modeling of protein sequence and biophysical properties (such as structural, functional, and spatial information, amino acid conservation, physicochemical variation, residue mobility, and thermodynamic stability) indicates that this missense variant is not expected to disrupt IHH protein function with a negative predictive value of 80%. In summary, the available evidence is currently insufficient to determine the role of this variant in disease. Therefore, it has been classified as a Variant of Uncertain Significance.